The following is an entry in ClinVar:

NM_000540.3(RYR1):c.2449C>G (p.Arg817Gly)

Gene: RYR1 (ryanodine receptor 1; plus strand). Cytogenetic location: 19q13.2.
Variant type: single nucleotide variant.
Coding change: c.2449C>G on transcript NM_000540.3 (MANE Select); coding-DNA position 2449, C replaced by G.
Protein change: p.Arg817Gly; replaces arginine 817 with glycine.
Molecular consequence: missense variant.
Genome position (GRCh38, 1-based): chr19:38,460,463, C>G. VCF-style: chr19-38460463-C-G. GRCh37 (hg19) VCF-style: chr19-38951103-C-G.
Other names: c.2449C>G, p.Arg817Gly (NM_001042723.2); short protein forms R817G.
Identifiers: ClinVar variation 1032421 (VCV001032421.5), dbSNP rs150633775, ClinGen allele CA405629135.

ClinVar aggregate classification (germline): Uncertain significance. Review status: criteria provided, multiple submitters, no conflicts (2 of 4 stars). 3 submissions from 3 submitters: Uncertain significance (3). Last evaluated 2025-11-09.

Conditions:
Central core myopathy (CMYO1A). Also called: CONGENITAL MYOPATHY 1A, AUTOSOMAL DOMINANT, WITH SUSCEPTIBILITY TO MALIGNANT HYPERTHERMIA; Central core disease; Myopathy, central fibrillar. Identifiers: Orphanet 597, MedGen C5830701, MONDO:0007294, OMIM 117000.
RYR1-related disorder. Also called: RYR1-related condition; RYR1-related disorders. Identifiers: MedGen CN239331.
Malignant hyperthermia, susceptibility to, 1 (MHS1). Also called: RYR1-Related Malignant Hyperthermia Susceptibility; Malignant hyperthermia suceptibility 1; Anesthesia related hyperthermia; Malignant hyperpyrexia; Fulminating hyperpyrexia; Pharmacogenic myopathy. Identifiers: Orphanet 423, MedGen C2930980, MONDO:0007783, OMIM 145600.

gnomAD v4.1: 2 of 1,614,226 alleles (0.00012%); highest among the groups gnomAD compares: South Asian, 0.0022%; no homozygotes.

Submissions (3):

Labcorp Genetics (formerly Invitae), Labcorp
Classification: Uncertain significance for RYR1-related disorder. Last evaluated: 2025-11-09. Review status: criteria provided, single submitter. Criteria: Invitae Variant Classification Sherloc (09022015). Collection method: clinical testing. Allele origin: germline.
Comment: This sequence change replaces arginine, which is basic and polar, with glycine, which is neutral and non-polar, at codon 817 of the RYR1 protein (p.Arg817Gly). This variant is not present in population databases (gnomAD no frequency). This variant has not been reported in the literature in individuals affected with RYR1-related conditions. ClinVar contains an entry for this variant (Variation ID: 1032421). Invitae Evidence Modeling of protein sequence and biophysical properties (such as structural, functional, and spatial information, amino acid conservation, physicochemical variation, residue mobility, and thermodynamic stability) indicates that this missense variant is not expected to disrupt RYR1 protein function with a negative predictive value of 80%. In summary, the available evidence is currently insufficient to determine the role of this variant in disease. Therefore, it has been classified as a Variant of Uncertain Significance.

All of Us Research Program, National Institutes of Health
Classification: Uncertain significance for Malignant hyperthermia, susceptibility to, 1. Last evaluated: 2024-03-05. Review status: criteria provided, single submitter. Criteria: ACMG Guidelines, 2015. Collection method: clinical testing. Allele origin: germline. Inheritance: Autosomal dominant inheritance. Observed: 2 variant alleles, 2 heterozygotes.
Comment: This study involves interpretation of variants in research participants for the purpose of population health screening. Participant phenotype was not available at the time of variant classification. Additional details can be found in publication PMID: 35346344, PMCID: PMC8962531

Baylor Genetics
Classification: Uncertain significance for Central core myopathy. Last evaluated: 2018-02-22. Review status: criteria provided, single submitter. Criteria: ACMG Guidelines, 2015. Collection method: clinical testing. Allele origin: maternal. Affected: yes.
Comment: This variant was determined to be of uncertain significance according to ACMG Guidelines, 2015 [PMID:25741868].